The following is an entry in ClinVar:

ClinVar aggregate classification (germline): Benign/Likely benign. Review status: criteria provided, multiple submitters, no conflicts (2 of 4 stars). 6 submissions from 6 submitters: Benign (1); Likely benign (5). Last evaluated 2025-12-03.

Conditions:
Cardiac arrhythmia. Also called: Cardiac rhythm disease; Arrhythmia. Identifiers: MedGen C0003811, MONDO:0007263, HP:0011675.
Cardiovascular phenotype. Identifiers: MedGen CN230736.
Long QT syndrome (LQTS). Identifiers: MedGen C0023976, MeSH D008133, MONDO:0002442. Disease mechanism: loss of function. Inheritance: Various modes of inheritance.

Allele frequency attached by ClinVar (database versions not stated): gnomAD exomes 0.00006 and 0.00017; ExAC 0.00009; gnomAD 0.00010; TOPMed 0.00011.

Submissions (6):

Labcorp Genetics (formerly Invitae), Labcorp
Classification: Likely benign for Long QT syndrome. Last evaluated: 2025-12-03. Review status: criteria provided, single submitter. Criteria: Invitae Variant Classification Sherloc (09022015). Collection method: clinical testing. Allele origin: germline.

Blueprint Genetics
Classification: Likely benign. Last evaluated: 2024-09-10. Review status: criteria provided, single submitter. Criteria: ACMG Guidelines, 2015. Collection method: clinical testing. Allele origin: germline.

All of Us Research Program, National Institutes of Health
Classification: Likely benign for Long QT syndrome. Last evaluated: 2024-02-05. Review status: criteria provided, single submitter. Criteria: ACMG Guidelines, 2015. Collection method: clinical testing. Allele origin: germline. Inheritance: Autosomal dominant inheritance. Observed: 25 variant alleles, 25 heterozygotes.
Comment: This study involves interpretation of variants in research participants for the purpose of population health screening. Participant phenotype was not available at the time of variant classification. Additional details can be found in publication PMID: 35346344, PMCID: PMC8962531

Color Diagnostics, LLC DBA Color Health
Classification: Likely benign for Arrhythmia. Last evaluated: 2018-11-08. Review status: criteria provided, single submitter. Criteria: ACMG Guidelines, 2015. Collection method: clinical testing. Allele origin: germline.

Ambry Genetics
Classification: Likely benign for Cardiovascular phenotype. Last evaluated: 2016-06-30. Review status: criteria provided, single submitter. Criteria: Ambry Variant Classification Scheme 2023. Collection method: clinical testing. Allele origin: germline.

GeneDx
Classification: Benign. Last evaluated: 2015-03-03. Review status: criteria provided, single submitter. Criteria: GeneDx Variant Classification Process June 2021. Collection method: clinical testing. Allele origin: germline. Affected: yes.

NM_000238.4(KCNH2):c.3390A>G (p.Glu1130=)

Gene: KCNH2 (potassium voltage-gated channel subfamily H member 2; minus strand). Cytogenetic location: 7q36.1.
Variant type: single nucleotide variant.
Coding change: c.3390A>G on transcript NM_000238.4 (MANE Select); coding-DNA position 3390, A replaced by G.
Protein change: p.Glu1130=; no amino-acid change (glutamic acid 1130 retained).
Molecular consequence: synonymous variant.
Genome position (GRCh38, 1-based): chr7:150,945,455, T>C on the plus strand (A>G on the coding strand, the complement: KCNH2 is on the minus strand). VCF-style: chr7-150945455-T-C. GRCh37 (hg19) VCF-style: chr7-150642543-T-C.
Other names: c.2370A>G, p.Glu790= (NM_172057.3); c.3390A>G (NM_000238.2).
Identifiers: ClinVar variation 456930 (VCV000456930.24), dbSNP rs41313068, ClinGen allele CA038868.